The following is an entry in ClinVar:

NM_000562.3(C8A):c.1221T>C (p.Thr407=)

Gene: C8A (complement C8 alpha chain; plus strand). Cytogenetic location: 1p32.2.
Variant type: single nucleotide variant.
Coding change: c.1221T>C on transcript NM_000562.3 (MANE Select); coding-DNA position 1221, T replaced by C.
Protein change: p.Thr407=; no amino-acid change (threonine 407 retained).
Molecular consequence: synonymous variant.
Genome position (GRCh38, 1-based): chr1:56,906,791, T>C. VCF-style: chr1-56906791-T-C. GRCh37 (hg19) VCF-style: chr1-57372464-T-C.
Identifiers: ClinVar variation 1496848 (VCV001496848.4), dbSNP rs370577992, ClinGen allele CA22837898.
Genomic context (GRCh38, chr1:56,906,791, plus strand): 5'-AATAAATGTTGGTGGAGGTTTATCAGGAGACCATTGTAAAAAATTTGGAGGTGGCAAAAC[T>C]GGCAAGTGTTTAGTAATAGATCTCCCAAAAAGAGAAGCCAGGCTTTCCTTTGGACACACA-3'
Protein context (NP_000553.1, residues 397-417): DHCKKFGGGK[Thr407=]ERARKAMAVE

ClinVar aggregate classification (germline): Uncertain significance (1 of 4 stars; one submission).

Allele frequency attached by ClinVar (database versions not stated): gnomAD exomes below 0.00001.
gnomAD v4.1: 6 of 1,614,090 alleles (0.00037%); highest among the groups gnomAD compares: African/African-American, 0.0013%; no homozygotes.

Submission:

Labcorp Genetics (formerly Invitae), Labcorp
Classification: Uncertain significance. Last evaluated: 2023-12-18. Review status: criteria provided, single submitter. Criteria: Invitae Variant Classification Sherloc (09022015). Collection method: clinical testing. Allele origin: germline.
Comment: This sequence change affects codon 407 of the C8A mRNA. It is a 'silent' change, meaning that it does not change the encoded amino acid sequence of the C8A protein. It affects a nucleotide within the consensus splice site. This variant is not present in population databases (gnomAD no frequency). This variant has not been reported in the literature in individuals affected with C8A-related conditions. ClinVar contains an entry for this variant (Variation ID: 1496848). Algorithms developed to predict the effect of sequence changes on RNA splicing suggest that this variant is not likely to affect RNA splicing. In summary, the available evidence is currently insufficient to determine the role of this variant in disease. Therefore, it has been classified as a Variant of Uncertain Significance.